The following is an entry in ClinVar:

ClinVar aggregate classification (germline): Uncertain significance (1 of 4 stars; one submission).

Submission:

GeneDx
Classification: Uncertain significance. Last evaluated: 2022-09-06. Review status: criteria provided, single submitter. Criteria: GeneDx Variant Classification Process June 2021. Collection method: clinical testing. Allele origin: germline. Affected: yes.
Comment: Not observed at significant frequency in large population cohorts (gnomAD); In silico analysis supports that this missense variant has a deleterious effect on protein structure/function; Has not been previously published as pathogenic or benign to our knowledge

NM_004523.4(KIF11):c.835G>A (p.Asp279Asn)

Gene: KIF11 (kinesin family member 11; plus strand). Cytogenetic location: 10q23.33.
Variant type: single nucleotide variant.
Coding change: c.835G>A on transcript NM_004523.4 (MANE Select); coding-DNA position 835, G replaced by A.
Protein change: p.Asp279Asn; replaces aspartic acid 279 with asparagine.
Molecular consequence: missense variant.
Genome position (GRCh38, 1-based): chr10:92,613,422, G>A. VCF-style: chr10-92613422-G-A. GRCh37 (hg19) VCF-style: chr10-94373179-G-A.
Other names: short protein forms D279N.
Identifiers: ClinVar variation 2442404 (VCV002442404.1), dbSNP rs2492490204, ClinGen allele CA377590272.
Genomic context (GRCh38, chr10:92,613,422, plus strand): 5'-TTTTTAAAATTAAAGGTTGATCTTGCAGGAAGTGAAAACATTGGCCGTTCTGGAGCTGTT[G>A]ATAAGAGAGCTCGGGAAGCTGGAAATATAAATCAATCCCTGTTGACTTTGGGAAGGGTCA-3'
Protein context (NP_004514.2, residues 269-289): SENIGRSGAV[Asp279Asn]KRAREAGNIN